The following is an entry in ClinVar:

NM_033087.4(ALG2):c.19C>T (p.Arg7Trp)

Gene: ALG2 (ALG2 alpha-1,3/1,6-mannosyltransferase; minus strand). Cytogenetic location: 9q22.33.
Variant type: single nucleotide variant.
Coding change: c.19C>T on transcript NM_033087.4 (MANE Select); coding-DNA position 19, C replaced by T.
Protein change: p.Arg7Trp; replaces arginine 7 with tryptophan.
Molecular consequence: missense variant. On other transcripts: non-coding transcript variant (1).
Genome position (GRCh38, 1-based): chr9:99,221,876, G>A on the plus strand (C>T on the coding strand, the complement: ALG2 is on the minus strand). VCF-style: chr9-99221876-G-A. GRCh37 (hg19) VCF-style: chr9-101984158-G-A.
Other names: short protein forms R7W.
Identifiers: ClinVar variation 1319358 (VCV001319358.10), dbSNP rs761793563, ClinGen allele CA5156513.

ClinVar aggregate classification (germline): Uncertain significance. Review status: criteria provided, multiple submitters, no conflicts (2 of 4 stars). 3 submissions from 3 submitters: Uncertain significance (3). Last evaluated 2024-12-16.

Conditions:
Congenital disorder of glycosylation, type Ii. Also called: CDG Ii; ALG2-CDG; ALG2-congenital disorder of glycosylation. Identifiers: Orphanet 79326, MedGen C1842836, MONDO:0011933, OMIM 607906.
Congenital myasthenic syndrome 14. Also called: Myasthenic syndrome, congenital, 14, with tubular aggregates. Identifiers: Orphanet 353327, Orphanet 590, MedGen C4015597, MONDO:0014543, OMIM 616228.
Inborn genetic diseases. Identifiers: MedGen C0950123, MeSH D030342.

Allele frequency attached by ClinVar (database versions not stated): gnomAD 0.00005 and 0.00004; TOPMed 0.00002; ExAC 0.00015.

Submissions (3):

Labcorp Genetics (formerly Invitae), Labcorp
Classification: Uncertain significance for Congenital disorder of glycosylation, type Ii; Congenital myasthenic syndrome 14. Last evaluated: 2024-12-16. Review status: criteria provided, single submitter. Criteria: Invitae Variant Classification Sherloc (09022015). Collection method: clinical testing. Allele origin: germline.
Comment: This sequence change replaces arginine, which is basic and polar, with tryptophan, which is neutral and slightly polar, at codon 7 of the ALG2 protein (p.Arg7Trp). This variant is present in population databases (rs761793563, gnomAD 0.07%). This variant has not been reported in the literature in individuals affected with ALG2-related conditions. ClinVar contains an entry for this variant (Variation ID: 1319358). An algorithm developed to predict the effect of missense changes on protein structure and function (PolyPhen-2) suggests that this variant¬¨‚Ä†is likely to be tolerated. In summary, the available evidence is currently insufficient to determine the role of this variant in disease. Therefore, it has been classified as a Variant of Uncertain Significance.

Ambry Genetics
Classification: Uncertain significance for Inborn genetic diseases. Last evaluated: 2023-09-29. Review status: criteria provided, single submitter. Criteria: Ambry Variant Classification Scheme 2023. Collection method: clinical testing. Allele origin: germline.

Institute for Clinical Genetics, University Hospital TU Dresden, University Hospital TU Dresden
Classification: Uncertain significance. Last evaluated: 2021-11-03. Review status: criteria provided, single submitter. Criteria: ACMG Guidelines, 2015. Collection method: clinical testing. Allele origin: germline.